The following is an entry in ClinVar:

ClinVar aggregate classification (germline): Benign. Review status: criteria provided, multiple submitters, no conflicts (2 of 4 stars). 2 submissions from 2 submitters: Benign (2). Last evaluated 2021-02-24.

Allele frequency attached by ClinVar (database versions not stated): gnomAD exomes 0.45860 and 0.47889; ExAC 0.48484; gnomAD 0.53514 and 0.54326; ESP Exome Variant Server 0.54236; 1000 Genomes Project 0.54373; 1000 Genomes Project 30x 0.55059; TOPMed 0.55734.
gnomAD v4.1: 750,813 of 1,612,218 alleles (47%); highest among the groups gnomAD compares: African/African-American, 71%; 179,023 homozygotes.

Submissions (2):

GeneDx
Classification: Benign. Last evaluated: 2021-02-24. Review status: criteria provided, single submitter. Criteria: GeneDx Variant Classification Process June 2021. Collection method: clinical testing. Allele origin: germline. Affected: yes.
Comment: This variant is associated with the following publications: (PMID: 32712163)

Breakthrough Genomics
Classification: Benign. Review status: criteria provided, single submitter. Criteria: ACMG Guidelines, 2015. Collection method: not provided. Allele origin: germline. Inheritance: Unknown mechanism. Affected: yes.

NM_002217.4(ITIH3):c.943C>A (p.Gln315Lys)

Gene: ITIH3 (inter-alpha-trypsin inhibitor heavy chain 3; plus strand). Cytogenetic location: 3p21.1.
Variant type: single nucleotide variant.
Coding change: c.943C>A on transcript NM_002217.4 (MANE Select); coding-DNA position 943, C replaced by A.
Protein change: p.Gln315Lys; replaces glutamine 315 with lysine.
Molecular consequence: missense variant.
Genome position (GRCh38, 1-based): chr3:52,799,789, C>A. VCF-style: chr3-52799789-C-A. GRCh37 (hg19) VCF-style: chr3-52833805-C-A.
Other names: c.943C>A, p.Gln315Lys (NM_001392019.1, NM_001392020.1, NM_001392021.1 and 5 more transcripts); c.922C>A, p.Gln308Lys (NM_001392023.1); short protein forms Q308K, Q315K.
Identifiers: ClinVar variation 1279402 (VCV001279402.2), dbSNP rs3617, ClinGen allele CA2448166.